The following is an entry in ClinVar:

NM_000186.4(CFH):c.350+6T>G

Gene: CFH (complement factor H; plus strand). Cytogenetic location: 1q31.3.
Variant type: single nucleotide variant.
Coding change: c.350+6T>G on transcript NM_000186.4 (MANE Select); 6 bases into the intron after coding-DNA position 350, T replaced by G.
Molecular consequence: intron variant.
Genome position (GRCh38, 1-based): chr1:196,673,968, T>G. VCF-style: chr1-196673968-T-G. GRCh37 (hg19) VCF-style: chr1-196643098-T-G.
Other names: c.350+6T>G (NM_001014975.3).
Identifiers: ClinVar variation 16562 (VCV000016562.2), dbSNP rs387906550, ClinGen allele CA126673.

ClinVar aggregate classification (germline): Uncertain significance. Review status: criteria provided, single submitter (1 of 4 stars). 2 submissions from 2 submitters: Uncertain significance (1). 1 of the submissions does not count toward it. Last evaluated 2025-10-02.

Conditions:
Basal laminar drusen. Also called: DRUSEN OF BRUCH MEMBRANE; DRUSEN, CUTICULAR; DRUSEN, EARLY ADULT-ONSET, GROUPED. Identifiers: Orphanet 75376, MedGen C0730295, MONDO:0007472, OMIM 126700.

Submissions (2):

Genomenon, Inc
Classification: Uncertain significance for Basal laminar drusen. Last evaluated: 2025-10-02. Review status: criteria provided, single submitter. Criteria: Genomenon Sequence Variant Interpretation Standards - Updated. Collection method: curation. Allele origin: germline. Affected: yes.
Comment: CFH c.350+6T>G is a splice variant located in the donor splice region of intron 3. This variant has been observed in at least one proband affected with basal laminar drusen (PMID:18252232;36053979). It is absent or not present at a significant frequency in gnomAD. In silico models agree that this variant is possibly or probably damaging. In conclusion, we classify CFH c.350+6T>G as a variant of uncertain significance.

OMIM
Classification: Pathogenic for BASAL LAMINAR DRUSEN. Last evaluated: 2008-02-01. Review status: no assertion criteria provided. Collection method: literature only. Allele origin: germline. Not counted in ClinVar's aggregate classification.

Literature cited by the submitters: PubMed 18252232 (cited by Genomenon, Inc and OMIM); PubMed 36053979 (cited by Genomenon, Inc).